The following is an entry in ClinVar:

ClinVar aggregate classification (germline): Uncertain significance (1 of 4 stars; one submission).

Submission:

GeneDx
Classification: Uncertain significance. Last evaluated: 2023-02-20. Review status: criteria provided, single submitter. Criteria: GeneDx Variant Classification Process June 2021. Collection method: clinical testing. Allele origin: germline. Affected: yes.
Comment: Not observed at significant frequency in large population cohorts (gnomAD); In silico analysis supports that this missense variant has a deleterious effect on protein structure/function; Has not been previously published as pathogenic or benign to our knowledge

NM_017780.4(CHD7):c.4072G>A (p.Asp1358Asn)

Gene: CHD7 (chromodomain helicase DNA binding protein 7; plus strand). Cytogenetic location: 8q12.2.
Variant type: single nucleotide variant.
Coding change: c.4072G>A on transcript NM_017780.4 (MANE Select); coding-DNA position 4072, G replaced by A.
Protein change: p.Asp1358Asn; replaces aspartic acid 1358 with asparagine.
Molecular consequence: missense variant. On other transcripts: intron variant (1).
Genome position (GRCh38, 1-based): chr8:60,836,899, G>A. VCF-style: chr8-60836899-G-A. GRCh37 (hg19) VCF-style: chr8-61749458-G-A.
Other names: c.1717-25330G>A (NM_001316690.1); short protein forms D1358N.
Identifiers: ClinVar variation 2576720 (VCV002576720.1), dbSNP rs2487903768, ClinGen allele CA371316746.
Genomic context (GRCh38, chr8:60,836,899, plus strand): 5'-GGCCGAGTAAGAGGCAACCTCCGCCAGGCAGCTATCGACAGATTCTCCAAACCTGATTCT[G>A]ATAGGTTTGTTTTCCTCCTGTGTACAAGGGCAGGAGGTTTAGGCATTAACCTCACTGCTG-3'
Protein context (NP_060250.2, residues 1348-1368): AIDRFSKPDS[Asp1358Asn]RFVFLLCTRA